The following is an entry in ClinVar:

ClinVar aggregate classification (germline): Uncertain significance. Review status: criteria provided, multiple submitters, no conflicts (2 of 4 stars). 2 submissions from 2 submitters: Uncertain significance (2). Last evaluated 2026-06-01.

Submissions (2):

CeGaT Center for Human Genetics Tuebingen
Classification: Uncertain significance. Last evaluated: 2026-06-01. Review status: criteria provided, single submitter. Criteria: CeGaT Center For Human Genetics Tuebingen Variant Classification Criteria Version 2. Collection method: clinical testing. Allele origin: germline. Affected: yes. Observed: 1 variant allele.
Comment: ADGRL1: PM2

Greenwood Genetic Center Diagnostic Laboratories, Greenwood Genetic Center
Classification: Uncertain significance. Last evaluated: 2025-06-23. Review status: criteria provided, single submitter. Criteria: ACMG Guidelines, 2015. Collection method: clinical testing. Allele origin: germline. Affected: yes.
Comment: PM2, PP2

NM_014921.5(ADGRL1):c.2780A>G (p.Tyr927Cys)

Genes: ADGRL1 (adhesion G protein-coupled receptor L1; minus strand), ADGRL1-AS1 (ADGRL1 antisense RNA 1; plus strand). Cytogenetic location: 19p13.12.
Variant type: single nucleotide variant.
Coding change: c.2780A>G on transcript NM_014921.5 (MANE Select); coding-DNA position 2780, A replaced by G.
Protein change: p.Tyr927Cys; replaces tyrosine 927 with cysteine.
Molecular consequence: missense variant.
Genome position (GRCh38, 1-based): chr19:14,157,111, T>C on the plus strand (A>G on the coding strand, the complement: ADGRL1 is on the minus strand). VCF-style: chr19-14157111-T-C. GRCh37 (hg19) VCF-style: chr19-14267923-T-C.
Other names: c.2795A>G, p.Tyr932Cys (NM_001008701.3); short protein forms Y927C, Y932C.
Identifiers: ClinVar variation 4538333 (VCV004538333.3).